The following is an entry in ClinVar:

ClinVar aggregate classification (germline): Uncertain significance (1 of 4 stars; one submission).

Conditions:
Neurofibromatosis, type 1 (NF1). Also called: NEUROFIBROMATOSIS, TYPE I, SOMATIC; VON RECKLINGHAUSEN DISEASE; Peripheral type neurofibromatosis; Neurofibromatosis, type I. Identifiers: Orphanet 636, MedGen C0027831, MONDO:0018975, OMIM 162200. Disease mechanism: loss of function.

Submission:

Labcorp Genetics (formerly Invitae), Labcorp
Classification: Uncertain significance for Neurofibromatosis, type 1. Last evaluated: 2024-06-10. Review status: criteria provided, single submitter. Criteria: Invitae Variant Classification Sherloc (09022015). Collection method: clinical testing. Allele origin: germline.
Comment: This sequence change replaces methionine, which is neutral and non-polar, with lysine, which is basic and polar, at codon 1022 of the NF1 protein (p.Met1022Lys). This variant is not present in population databases (gnomAD no frequency). This variant has not been reported in the literature in individuals affected with NF1-related conditions. ClinVar contains an entry for this variant (Variation ID: 2056216). Advanced modeling of protein sequence and biophysical properties (such as structural, functional, and spatial information, amino acid conservation, physicochemical variation, residue mobility, and thermodynamic stability) performed at Invitae indicates that this missense variant is expected to disrupt NF1 protein function with a positive predictive value of 95%. In summary, the available evidence is currently insufficient to determine the role of this variant in disease. Therefore, it has been classified as a Variant of Uncertain Significance.

NM_001042492.3(NF1):c.3065T>A (p.Met1022Lys)

Gene: NF1 (neurofibromin 1; plus strand). Cytogenetic location: 17q11.2.
Variant type: single nucleotide variant.
Coding change: c.3065T>A on transcript NM_001042492.3 (MANE Select); coding-DNA position 3065, T replaced by A.
Protein change: p.Met1022Lys; replaces methionine 1022 with lysine.
Molecular consequence: missense variant.
Genome position (GRCh38, 1-based): chr17:31,230,334, T>A. VCF-style: chr17-31230334-T-A. GRCh37 (hg19) VCF-style: chr17-29557352-T-A.
Other names: c.3065T>A, p.Met1022Lys (NM_000267.4); short protein forms M1022K.
Identifiers: ClinVar variation 2056216 (VCV002056216.4), dbSNP rs2151431661, ClinGen allele CA398987435.